The following is an entry in ClinVar:

ClinVar aggregate classification (germline): Uncertain significance (1 of 4 stars; one submission).

Conditions:
Immunodeficiency-centromeric instability-facial anomalies syndrome 2 (ICF2). Identifiers: Orphanet 2268, MedGen C3279748, MONDO:0013553, OMIM 614069.

Allele frequency attached by ClinVar (database versions not stated): gnomAD exomes below 0.00001.
gnomAD v4.1: 2 of 1,614,194 alleles (0.00012%); highest among the groups gnomAD compares: South Asian, 0.0022%; no homozygotes.

Submission:

Labcorp Genetics (formerly Invitae), Labcorp
Classification: Uncertain significance for Immunodeficiency-centromeric instability-facial anomalies syndrome 2. Last evaluated: 2022-06-27. Review status: criteria provided, single submitter. Criteria: Invitae Variant Classification Sherloc (09022015). Collection method: clinical testing. Allele origin: germline.
Comment: Algorithms developed to predict the effect of missense changes on protein structure and function output the following: SIFT: "Not Available"; PolyPhen-2: "Benign"; Align-GVGD: "Not Available". The aspartic acid amino acid residue is found in multiple mammalian species, which suggests that this missense change does not adversely affect protein function. This variant has not been reported in the literature in individuals affected with ZBTB24-related conditions. This variant is not present in population databases (gnomAD no frequency). This sequence change replaces glycine, which is neutral and non-polar, with aspartic acid, which is acidic and polar, at codon 300 of the ZBTB24 protein (p.Gly300Asp). In summary, the available evidence is currently insufficient to determine the role of this variant in disease. Therefore, it has been classified as a Variant of Uncertain Significance.

NM_014797.3(ZBTB24):c.899G>A (p.Gly300Asp)

Gene: ZBTB24 (zinc finger and BTB domain containing 24; minus strand). Cytogenetic location: 6q21.
Variant type: single nucleotide variant.
Coding change: c.899G>A on transcript NM_014797.3 (MANE Select); coding-DNA position 899, G replaced by A.
Protein change: p.Gly300Asp; replaces glycine 300 with aspartic acid.
Molecular consequence: missense variant.
Genome position (GRCh38, 1-based): chr6:109,481,128, C>T on the plus strand (G>A on the coding strand, the complement: ZBTB24 is on the minus strand). VCF-style: chr6-109481128-C-T. GRCh37 (hg19) VCF-style: chr6-109802331-C-T.
Other names: c.899G>A, p.Gly300Asp (NM_001164313.2); short protein forms G300D.
Identifiers: ClinVar variation 1419908 (VCV001419908.8), dbSNP rs2115366329, ClinGen allele CA365207523.